The following is an entry in ClinVar:

NM_002661.5(PLCG2):c.174T>C (p.Ala58=)

Gene: PLCG2 (phospholipase C gamma 2; plus strand). Cytogenetic location: 16q23.3.
Variant type: single nucleotide variant.
Coding change: c.174T>C on transcript NM_002661.5 (MANE Select); coding-DNA position 174, T replaced by C.
Protein change: p.Ala58=; no amino-acid change (alanine 58 retained).
Molecular consequence: synonymous variant.
Genome position (GRCh38, 1-based): chr16:81,786,163, T>C. VCF-style: chr16-81786163-T-C. GRCh37 (hg19) VCF-style: chr16-81819768-T-C.
Other names: p.Ala58=.
Identifiers: ClinVar variation 403316 (VCV000403316.25), dbSNP rs1143685, ClinGen allele CA8193053.

ClinVar aggregate classification (germline): Benign/Likely benign. Review status: criteria provided, multiple submitters, no conflicts (2 of 4 stars). 10 submissions from 9 submitters: Benign (9); Likely benign (1). Last evaluated 2026-02-04.

Conditions:
Autoinflammation-PLCG2-associated antibody deficiency-immune dysregulation. Also called: Autoinflammation, antibody deficiency, and immune dysregulation, plcg2-associated; Autoinflammation, antibody deficiency, and immune dysregulation syndrome; AUTOINFLAMMATION, ANTIBODY DEFICIENCY, AND IMMUNE DYSREGULATION. Identifiers: Orphanet 324530, MedGen C3553961, MONDO:0013944, OMIM 614878.
Familial cold autoinflammatory syndrome 3 (FCAS3). Also called: ANTIBODY DEFICIENCY AND IMMUNE DYSREGULATION, PLCG2-ASSOCIATED; FAMILIAL ATYPICAL COLD URTICARIA. Identifiers: Orphanet 300359, MedGen C3280914, MONDO:0013766, OMIM 614468.

Allele frequency attached by ClinVar (database versions not stated): ESP Exome Variant Server 0.66799; gnomAD 0.68306 and 0.68990; TOPMed 0.68556; gnomAD exomes 0.69878 and 0.72700; ExAC 0.72477; 1000 Genomes Project 30x 0.72736; 1000 Genomes Project 0.73323.
gnomAD v4.1: 1,125,718 of 1,613,708 alleles (70%); highest among the groups gnomAD compares: East Asian, 89%; 394,472 homozygotes.

Submissions (10):

Labcorp Genetics (formerly Invitae), Labcorp
Classification: Benign for Familial cold autoinflammatory syndrome 3. Last evaluated: 2026-02-04. Review status: criteria provided, single submitter. Criteria: Invitae Variant Classification Sherloc (09022015). Collection method: clinical testing. Allele origin: germline.

Women's Health and Genetics/Laboratory Corporation of America, LabCorp
Classification: Benign. Last evaluated: 2026-01-21. Review status: criteria provided, single submitter. Criteria: LabCorp Variant Classification Summary - May 2015. Collection method: clinical testing. Allele origin: germline.

Blueprint Genetics
Classification: Likely benign. Last evaluated: 2024-11-27. Review status: criteria provided, single submitter. Criteria: ACMG Guidelines, 2015. Collection method: clinical testing. Allele origin: germline.

Unidad de Genómica Garrahan, Hospital de Pediatría Garrahan
Classification: Benign. Last evaluated: 2023-11-12. Review status: criteria provided, single submitter. Criteria: ACMG Guidelines, 2015. Collection method: clinical testing. Allele origin: germline. Affected: no. Observed: 91 variant alleles.
Comment: This variant is classified as Benign based on local population frequency. This variant was detected in 95% of patients studied by a panel of primary immunodeficiencies. Number of patients: 91. Only high quality variants are reported.

Mayo Clinic Laboratories, Mayo Clinic
Classification: Benign. Last evaluated: 2022-03-09. Review status: criteria provided, single submitter. Criteria: ACMG Guidelines, 2015. Collection method: clinical testing. Allele origin: germline. Observed: 1,376 variant alleles.

Genome-Nilou Lab
Classification: Benign for Autoinflammation-PLCG2-associated antibody deficiency-immune dysregulation. Last evaluated: 2021-10-25. Review status: criteria provided, single submitter. Criteria: ACMG Guidelines, 2015. Collection method: clinical testing. Allele origin: germline. Affected: no.

Genome-Nilou Lab
Classification: Benign for Familial cold autoinflammatory syndrome 3. Last evaluated: 2021-10-25. Review status: criteria provided, single submitter. Criteria: ACMG Guidelines, 2015. Collection method: clinical testing. Allele origin: germline. Affected: no.

GeneDx
Classification: Benign. Last evaluated: 2021-05-04. Review status: criteria provided, single submitter. Criteria: GeneDx Variant Classification Process June 2021. Collection method: clinical testing. Allele origin: germline. Affected: yes.

Laboratory for Molecular Medicine, Mass General Brigham Personalized Medicine
Classification: Benign. Last evaluated: 2016-03-28. Review status: criteria provided, single submitter. Criteria: LMM Criteria. Collection method: clinical testing. Allele origin: germline.
Comment: Variant identified in a genome or exome case(s) and assessed due to predicted null impact of the variant or pathogenic assertions in the literature or databases. Disclaimer: This variant has not undergone full assessment. The following are preliminary notes: Frequency

Breakthrough Genomics
Classification: Benign. Review status: criteria provided, single submitter. Criteria: ACMG Guidelines, 2015. Collection method: not provided. Allele origin: germline. Inheritance: Autosomal dominant inheritance. Affected: yes.